The following is an entry in ClinVar:

ClinVar aggregate classification (germline): Conflicting classifications of pathogenicity. Review status: criteria provided, conflicting classifications (1 of 4 stars). 4 submissions from 4 submitters: Uncertain significance (2); Likely benign (2). Last evaluated 2025-07-01.

Conditions:
Cardiovascular phenotype. Identifiers: MedGen CN230736.
Cardiomyopathy (CMYO). Also called: Cardiomyopathies. Identifiers: Orphanet 167848, MedGen C0878544, MONDO:0004994, HP:0001638. Inheritance: Various modes of inheritance.
Arrhythmogenic cardiomyopathy with wooly hair and keratoderma. Also called: Dilated cardiomyopathy with woolly hair and keratoderma; PALMOPLANTAR KERATODERMA WITH LEFT VENTRICULAR CARDIOMYOPATHY AND WOOLLY HAIR; Carvajal syndrome; Arrhythmogenic cardiomyopathy with woolly hair and keratoderma. Identifiers: Orphanet 65282, MedGen C1854063, MONDO:0011581, OMIM 605676.
Arrhythmogenic right ventricular dysplasia 8 (ARVD8). Also called: ARRHYTHMOGENIC RIGHT VENTRICULAR DYSPLASIA, FAMILIAL, 8; ARRHYTHMOGENIC RIGHT VENTRICULAR CARDIOMYOPATHY 8; Arrhythmogenic Right Ventricular Dysplasia/Cardiomyopathy 8. Identifiers: MedGen C1843896, MONDO:0011831, OMIM 607450.

Allele frequency attached by ClinVar (database versions not stated): ExAC 0.00001; gnomAD exomes 0.00002; TOPMed 0.00002.
gnomAD v4.1: 10 of 1,614,220 alleles (0.00062%); highest among the groups gnomAD compares: Admixed American, 0.0067%; no homozygotes.

Submissions (4):

Color Diagnostics, LLC DBA Color Health
Classification: Likely benign for Cardiomyopathy. Last evaluated: 2025-07-01. Review status: criteria provided, single submitter. Criteria: ACMG Guidelines, 2015. Collection method: clinical testing. Allele origin: germline.

All of Us Research Program, National Institutes of Health
Classification: Uncertain significance for Arrhythmogenic cardiomyopathy with wooly hair and keratoderma. Last evaluated: 2024-09-23. Review status: criteria provided, single submitter. Criteria: ACMG Guidelines, 2015. Collection method: clinical testing. Allele origin: germline. Inheritance: Autosomal dominant inheritance. Observed: 1 variant allele, 1 heterozygote.
Comment: This study involves interpretation of variants in research participants for the purpose of population health screening. Participant phenotype was not available at the time of variant classification. Additional details can be found in publication PMID: 35346344, PMCID: PMC8962531

Labcorp Genetics (formerly Invitae), Labcorp
Classification: Likely benign for Arrhythmogenic cardiomyopathy with wooly hair and keratoderma; Arrhythmogenic right ventricular dysplasia 8. Last evaluated: 2024-09-19. Review status: criteria provided, single submitter. Criteria: Invitae Variant Classification Sherloc (09022015). Collection method: clinical testing. Allele origin: germline.

Ambry Genetics
Classification: Uncertain significance for Cardiovascular phenotype. Last evaluated: 2020-12-09. Review status: criteria provided, single submitter. Criteria: Ambry Variant Classification Scheme 2023. Collection method: clinical testing. Allele origin: germline.
Comment: The p.R2801H variant (also known as c.8402G>A), located in coding exon 24 of the DSP gene, results from a G to A substitution at nucleotide position 8402. The arginine at codon 2801 is replaced by histidine, an amino acid with highly similar properties. This alteration has been reported in a sudden unexplained death cohort (Sanchez O et al. PLoS One, 2016 Dec;11:e0167358). This amino acid position is not well conserved in available vertebrate species. In addition, this alteration is predicted to be tolerated by in silico analysis. Since supporting evidence is limited at this time, the clinical significance of this alteration remains unclear.

Literature cited by the submitters: PubMed 27930701 (cited by Ambry Genetics).

NM_004415.4(DSP):c.8402G>A (p.Arg2801His)

Gene: DSP (desmoplakin; plus strand). Cytogenetic location: 6p24.3.
Variant type: single nucleotide variant.
Coding change: c.8402G>A on transcript NM_004415.4 (MANE Select); coding-DNA position 8402, G replaced by A.
Protein change: p.Arg2801His; replaces arginine 2801 with histidine.
Molecular consequence: missense variant.
Genome position (GRCh38, 1-based): chr6:7,585,664, G>A. VCF-style: chr6-7585664-G-A. GRCh37 (hg19) VCF-style: chr6-7585897-G-A.
Other names: c.6605G>A, p.Arg2202His (NM_001008844.3); c.7073G>A, p.Arg2358His (NM_001319034.2); short protein forms R2358H, R2202H, R2801H.
Identifiers: ClinVar variation 959753 (VCV000959753.16), dbSNP rs763712887, ClinGen allele CA052230.